The following is an entry in ClinVar:

ClinVar aggregate classification (germline): Pathogenic (1 of 4 stars; one submission).

Conditions:
Glycogen storage disease due to muscle and heart glycogen synthase deficiency. Also called: GSD 0b; MUSCLE GLYCOGEN SYNTHASE DEFICIENCY. Identifiers: Orphanet 137625, MedGen C1969054, MONDO:0012693, OMIM 611556.

Submission:

Labcorp Genetics (formerly Invitae), Labcorp
Classification: Pathogenic for Glycogen storage disease due to muscle and heart glycogen synthase deficiency. Last evaluated: 2024-11-29. Review status: criteria provided, single submitter. Criteria: Invitae Variant Classification Sherloc (09022015). Collection method: clinical testing. Allele origin: germline.
Comment: This sequence change creates a premature translational stop signal (p.Ser453*) in the GYS1 gene. It is expected to result in an absent or disrupted protein product. Loss-of-function variants in GYS1 are known to be pathogenic (PMID: 17928598, 19699667). This variant is not present in population databases (gnomAD no frequency). This variant has not been reported in the literature in individuals affected with GYS1-related conditions. For these reasons, this variant has been classified as Pathogenic.

Literature cited by the submitters: PubMed 17928598; PubMed 19699667.

NM_002103.5(GYS1):c.1358C>G (p.Ser453Ter)

Gene: GYS1 (glycogen synthase 1; minus strand). Cytogenetic location: 19q13.33.
Variant type: single nucleotide variant.
Coding change: c.1358C>G on transcript NM_002103.5 (MANE Select); coding-DNA position 1358, C replaced by G.
Protein change: p.Ser453Ter; replaces serine 453 with a stop codon.
Molecular consequence: nonsense. On other transcripts: non-coding transcript variant (1).
Genome position (GRCh38, 1-based): chr19:48,974,684, G>C on the plus strand (C>G on the coding strand, the complement: GYS1 is on the minus strand). VCF-style: chr19-48974684-G-C. GRCh37 (hg19) VCF-style: chr19-49477941-G-C.
Other names: c.1166C>G, p.Ser389Ter (NM_001161587.2); short protein forms S389*, S453*.
Identifiers: ClinVar variation 3725421 (VCV003725421.2).